The following is an entry in ClinVar:

ClinVar aggregate classification (germline): Pathogenic/Likely pathogenic. Review status: criteria provided, multiple submitters, no conflicts (2 of 4 stars). 4 submissions from 4 submitters: Pathogenic (3); Likely pathogenic (1). Last evaluated 2024-08-01.

Conditions:
Hereditary cancer-predisposing syndrome. Also called: Neoplastic Syndromes, Hereditary; Hereditary neoplastic syndrome; Tumor predisposition; Hereditary Cancer Syndrome. Identifiers: Orphanet 140162, MedGen C0027672, MeSH D009386, MONDO:0015356.
Cardiovascular phenotype. Identifiers: MedGen CN230736.
Neurofibromatosis, type 1 (NF1). Also called: Peripheral type neurofibromatosis; Neurofibromatosis, type I; VON RECKLINGHAUSEN DISEASE; NEUROFIBROMATOSIS, TYPE I, SOMATIC. Identifiers: Orphanet 636, MedGen C0027831, MONDO:0018975, OMIM 162200. Disease mechanism: loss of function.

Submissions (4):

Labcorp Genetics (formerly Invitae), Labcorp
Classification: Pathogenic for Neurofibromatosis, type 1. Last evaluated: 2024-08-01. Review status: criteria provided, single submitter. Criteria: Invitae Variant Classification Sherloc (09022015). Collection method: clinical testing. Allele origin: germline.
Comment: This sequence change affects a donor splice site in intron 11 of the NF1 gene. RNA analysis indicates that disruption of this splice site induces altered splicing and may result in an absent or altered protein product. This variant is not present in population databases (gnomAD no frequency). Disruption of this splice site has been observed in individual(s) with clinical features of neurofibromatosis type 1 (PMID: 10677298; Invitae). ClinVar contains an entry for this variant (Variation ID: 836228). Studies have shown that disruption of this splice site results in inclusion of 13 base pairs of intronic sequence, and produces a non-functional protein and/or introduces a premature termination codon (PMID: 10677298). For these reasons, this variant has been classified as Pathogenic.

Ambry Genetics
Classification: Pathogenic for Cardiovascular phenotype; Hereditary cancer-predisposing syndrome. Last evaluated: 2024-02-20. Review status: criteria provided, single submitter. Criteria: Ambry Variant Classification Scheme 2023. Collection method: clinical testing. Allele origin: germline.
Comment: The c.1260+2T>C intronic pathogenic mutation results from a T to C substitution two nucleotides after coding exon 11 in the NF1 gene. This variant is considered to be rare based on population cohorts in the Genome Aggregation Database (gnomAD). This variant has been observed in multiple individuals with a personal and/or family history that is consistent with Neurofibromatosis type 1 (Ambry internal data). This nucleotide position is highly conserved in available vertebrate species. In silico splice site analysis predicts that this alteration will weaken the native splice donor site. RNA studies have demonstrated that this alteration results in abnormal splicing in the set of samples tested (Ambry internal data). Alterations that disrupt the canonical splice site are expected to cause aberrant splicing, resulting in an abnormal protein or a transcript that is subject to nonsense-mediated mRNA decay. As such, this alteration is classified as a disease-causing mutation.

Genome-Nilou Lab
Classification: Likely pathogenic for Neurofibromatosis, type 1. Last evaluated: 2022-03-15. Review status: criteria provided, single submitter. Criteria: ACMG Guidelines, 2015. Collection method: clinical testing. Allele origin: germline. Affected: no.

Genome Diagnostics Laboratory, The Hospital for Sick Children
Classification: Pathogenic for Neurofibromatosis, type 1. Last evaluated: 2020-10-26. Review status: criteria provided, single submitter. Criteria: ACMG Guidelines, 2015. Collection method: clinical testing. Allele origin: germline. Affected: yes.

Literature cited by the submitters: PubMed 10677298 (cited by Labcorp Genetics (formerly Invitae), Labcorp).

NM_001042492.3(NF1):c.1260+2T>C

Gene: NF1 (neurofibromin 1; plus strand). Cytogenetic location: 17q11.2.
Variant type: single nucleotide variant.
Coding change: c.1260+2T>C on transcript NM_001042492.3 (MANE Select); the canonical splice donor site of the intron after coding-DNA position 1260, T replaced by C.
Molecular consequence: splice donor variant.
Genome position (GRCh38, 1-based): chr17:31,201,487, T>C. VCF-style: chr17-31201487-T-C. GRCh37 (hg19) VCF-style: chr17-29528505-T-C.
Other names: c.1260+2T>C (NM_000267.4, NM_001128147.3).
Identifiers: ClinVar variation 836228 (VCV000836228.12), dbSNP rs1555611110, ClinGen allele CA398997816.
Genomic context (GRCh38, chr17:31,201,487, plus strand): 5'-ATTCACCTTCTACATTTCACTATGTGCTGGTAAATTCACTCCATCGAATCATCACCAATG[T>C]AAGTCCAAAAGGTATTGCTAAATTACTAAAAAAATTTTTTTCTTTCTTTTCTTTGCGTAT-3'